The following is an entry in ClinVar:

ClinVar aggregate classification (germline): Uncertain significance (1 of 4 stars; one submission).

Conditions:
Hereditary cancer-predisposing syndrome. Also called: Neoplastic Syndromes, Hereditary; Tumor predisposition; Hereditary Cancer Syndrome; Hereditary neoplastic syndrome. Identifiers: Orphanet 140162, MedGen C0027672, MeSH D009386, MONDO:0015356.

gnomAD v4.1: 11 of 1,566,828 alleles (0.0007%); highest among the groups gnomAD compares: Non-Finnish European, 0.00095%; no homozygotes.

Submission:

Ambry Genetics
Classification: Uncertain significance for Hereditary cancer-predisposing syndrome. Last evaluated: 2025-10-08. Review status: criteria provided, single submitter. Criteria: Ambry Variant Classification Scheme 2023. Collection method: clinical testing. Allele origin: germline.
Comment: The p.P479S variant (also known as c.1435C>T), located in coding exon 13 of the NF2 gene, results from a C to T substitution at nucleotide position 1435. The proline at codon 479 is replaced by serine, an amino acid with similar properties. This amino acid position is conserved. In addition, this alteration is predicted to be tolerated by in silico analysis. Based on the available evidence, the clinical significance of this variant remains unclear.

NM_000268.4(NF2):c.1435C>T (p.Pro479Ser)

Gene: NF2 (NF2, moesin-ezrin-radixin like (MERLIN) tumor suppressor; plus strand). Cytogenetic location: 22q12.2.
Variant type: single nucleotide variant.
Coding change: c.1435C>T on transcript NM_000268.4 (MANE Select); coding-DNA position 1435, C replaced by T.
Protein change: p.Pro479Ser; replaces proline 479 with serine.
Molecular consequence: missense variant. On other transcripts: non-coding transcript variant (1), intron variant (1).
Genome position (GRCh38, 1-based): chr22:29,674,930, C>T. VCF-style: chr22-29674930-C-T. GRCh37 (hg19) VCF-style: chr22-30070919-C-T.
Other names: c.1321C>T, p.Pro441Ser (NM_001407056.1, NM_001407053.1); c.1300C>T, p.Pro434Ser (NM_001407057.1, NM_001407059.1); c.1309C>T, p.Pro437Ser (NM_001407055.1, NM_181828.3); c.1312C>T, p.Pro438Ser (NM_001407054.1, NM_001407058.1, NM_181829.3); c.1186C>T, p.Pro396Ser (NM_001407063.1, NM_001407064.1, NM_181830.3 and 1 more transcripts); c.1435C>T, p.Pro479Ser (NM_001407060.1, NM_001407066.1, NM_016418.5 and 2 more transcripts); c.1177C>T, p.Pro393Ser (NM_001407062.1); c.901C>T, p.Pro301Ser (NM_001407065.1); and 2 more; short protein forms P301S, P437S, P441S, P479S, P396S, P393S, P402S, P434S.
Identifiers: ClinVar variation 4661372 (VCV004661372.1).